The following is an entry in ClinVar:

NM_004174.4(SLC9A3):c.1007G>A (p.Arg336His)

Gene: SLC9A3 (solute carrier family 9 member A3). Cytogenetic location: 5p15.33.
Variant type: single nucleotide variant.
Coding change: c.1007G>A on transcript NM_004174.4 (MANE Select); coding-DNA position 1007, G replaced by A.
Protein change: p.Arg336His; replaces arginine 336 with histidine.
Molecular consequence: missense variant.
Genome position (GRCh38, 1-based): chr5:483,408, C>T on the plus strand (G>A on the coding strand, the complement: SLC9A3 is on the minus strand). VCF-style: chr5-483408-C-T. GRCh37 (hg19) VCF-style: chr5-483523-C-T.
Other names: c.1007G>A, p.Arg336His (NM_001284351.3); c.1007G>A (NM_004174.2); short protein forms R336H.
Identifiers: ClinVar variation 1431409 (VCV001431409.7), dbSNP rs752227359, ClinGen allele CA3176102.
Genomic context (GRCh38, chr5:483,408, plus strand): 5'-ATACCCAGGAACATGAAGATGATGGTCTCGGCGCTGCTGGCCAGCATCTTCATGGTGTAG[C>T]GCACGGTGGTGGCCGACTGCTCCGAGATGTTGGCCTTCACATACTTCTGACAGCAGATGC-3'
Protein context (NP_004165.2, residues 326-346): NISEQSATTV[Arg336His]YTMKMLASSA

ClinVar aggregate classification (germline): Uncertain significance. Review status: criteria provided, multiple submitters, no conflicts (2 of 4 stars). 2 submissions from 2 submitters: Uncertain significance (2). Last evaluated 2025-02-07.

Conditions:
Inborn genetic diseases. Identifiers: MedGen C0950123, MeSH D030342.

Allele frequency attached by ClinVar (database versions not stated): ExAC 0.00013; gnomAD 0.00002.
gnomAD v4.1: 63 of 1,564,096 alleles (0.004%); highest among the groups gnomAD compares: East Asian, 0.021%; no homozygotes.

Submissions (2):

Ambry Genetics
Classification: Uncertain significance for Inborn genetic diseases. Last evaluated: 2025-02-07. Review status: criteria provided, single submitter. Criteria: Ambry Variant Classification Scheme 2023. Collection method: clinical testing. Allele origin: germline.

Labcorp Genetics (formerly Invitae), Labcorp
Classification: Uncertain significance. Last evaluated: 2024-01-19. Review status: criteria provided, single submitter. Criteria: Invitae Variant Classification Sherloc (09022015). Collection method: clinical testing. Allele origin: germline.
Comment: This sequence change replaces arginine, which is basic and polar, with histidine, which is basic and polar, at codon 336 of the SLC9A3 protein (p.Arg336His). The frequency data for this variant in the population databases is considered unreliable, as metrics indicate poor data quality at this position in the gnomAD database. This variant has not been reported in the literature in individuals affected with SLC9A3-related conditions. ClinVar contains an entry for this variant (Variation ID: 1431409). Advanced modeling of protein sequence and biophysical properties (such as structural, functional, and spatial information, amino acid conservation, physicochemical variation, residue mobility, and thermodynamic stability) performed at Invitae indicates that this missense variant is not expected to disrupt SLC9A3 protein function with a negative predictive value of 80%. In summary, the available evidence is currently insufficient to determine the role of this variant in disease. Therefore, it has been classified as a Variant of Uncertain Significance.